The following is an entry in ClinVar:

ClinVar aggregate classification (germline): Conflicting classifications of pathogenicity. Review status: criteria provided, conflicting classifications (1 of 4 stars). 2 submissions from 2 submitters: Likely pathogenic (1); Uncertain significance (1). Last evaluated 2026-01-08.

Conditions:
USH2A-related disorder. Also called: USH2A-related condition; USH2A-related disorders. Identifiers: MedGen CN239332.

Submissions (2):

Myriad Genetics, Inc.
Classification: Uncertain significance for USH2A-related disorder. Last evaluated: 2026-01-08. Review status: criteria provided, single submitter. Criteria: Myriad Autosomal Dominant, Autosomal Recessive and X-Linked Classification Criteria (2023). Collection method: clinical testing. Allele origin: unknown.
Comment: NM_206933.2(USH2A):c.4823A>C(H1608P) is a missense variant classified as a variant of uncertain significance in the context of USH2A-related disorders. H1608P has not been observed in cases with relevant disease. Relevant functional assessments of this variant are not available in the literature. H1608P has not been observed in referenced population frequency databases. In summary, there is insufficient evidence to classify NM_206933.2(USH2A):c.4823A>C(H1608P) as pathogenic or benign. Please note: this variant was assessed in the context of healthy population screening.

Labcorp Genetics (formerly Invitae), Labcorp
Classification: Likely pathogenic. Last evaluated: 2023-05-08. Review status: criteria provided, single submitter. Criteria: Invitae Variant Classification Sherloc (09022015). Collection method: clinical testing. Allele origin: germline.
Comment: In summary, the currently available evidence indicates that the variant is pathogenic, but additional data are needed to prove that conclusively. Therefore, this variant has been classified as Likely Pathogenic. This variant disrupts the p.His1608 amino acid residue in USH2A. Other variant(s) that disrupt this residue have been determined to be pathogenic (PMID: 23591405, 32675063; Invitae). This suggests that this residue is clinically significant, and that variants that disrupt this residue are likely to be disease-causing. Advanced modeling of protein sequence and biophysical properties (such as structural, functional, and spatial information, amino acid conservation, physicochemical variation, residue mobility, and thermodynamic stability) performed at Invitae indicates that this missense variant is expected to disrupt USH2A protein function. ClinVar contains an entry for this variant (Variation ID: 837914). This variant has not been reported in the literature in individuals affected with USH2A-related conditions. This variant is not present in population databases (gnomAD no frequency). This sequence change replaces histidine, which is basic and polar, with proline, which is neutral and non-polar, at codon 1608 of the USH2A protein (p.His1608Pro).

Literature cited by the submitters: PubMed 23591405 (cited by Labcorp Genetics (formerly Invitae), Labcorp); PubMed 32675063 (cited by Labcorp Genetics (formerly Invitae), Labcorp).

NM_206933.4(USH2A):c.4823A>C (p.His1608Pro)

Gene: USH2A (usherin; minus strand). Cytogenetic location: 1q41.
Variant type: single nucleotide variant.
Coding change: c.4823A>C on transcript NM_206933.4 (MANE Select); coding-DNA position 4823, A replaced by C.
Protein change: p.His1608Pro; replaces histidine 1608 with proline.
Molecular consequence: missense variant.
Genome position (GRCh38, 1-based): chr1:216,089,075, T>G on the plus strand (A>C on the coding strand, the complement: USH2A is on the minus strand). VCF-style: chr1-216089075-T-G. GRCh37 (hg19) VCF-style: chr1-216262417-T-G.
Other names: short protein forms H1608P.
Identifiers: ClinVar variation 837914 (VCV000837914.10), dbSNP rs2032221370, ClinGen allele CA344860724.
Genomic context (GRCh38, chr1:216,089,075, plus strand): 5'-GTATATATCCCATCCAGAGTGATTTGGCCAAAAGCCTGATGCCTAATAGCAATTATTTCA[T>G]GCCATTTTCCATCACTATATTGTTTGCCATGATCATTAGTTGTAGTTACTTCCACTGGTG-3'
Protein context (NP_996816.3, residues 1598-1618): HGKQYSDGKW[His1608Pro]EIIAIRHQAF